The following is an entry in ClinVar:

ClinVar aggregate classification (germline): Uncertain significance. Review status: criteria provided, multiple submitters, no conflicts (2 of 4 stars). 2 submissions from 2 submitters: Uncertain significance (2). Last evaluated 2023-12-08.

Conditions:
Inborn genetic diseases. Identifiers: MedGen C0950123, MeSH D030342.
Bethlem myopathy 1A. Also called: Bethlem myopathy 1; Bethlem Muscular Dystrophy; MYOPATHY, BENIGN CONGENITAL, WITH CONTRACTURES. Identifiers: Orphanet 610, MedGen CN029274, MONDO:0024530, OMIM 158810.

Submissions (2):

Ambry Genetics
Classification: Uncertain significance for Inborn genetic diseases. Last evaluated: 2023-12-08. Review status: criteria provided, single submitter. Criteria: Ambry Variant Classification Scheme 2023. Collection method: clinical testing. Allele origin: germline.

Labcorp Genetics (formerly Invitae), Labcorp
Classification: Uncertain significance for Bethlem myopathy 1A. Last evaluated: 2023-11-01. Review status: criteria provided, single submitter. Criteria: Invitae Variant Classification Sherloc (09022015). Collection method: clinical testing. Allele origin: germline.
Comment: This sequence change replaces proline, which is neutral and non-polar, with serine, which is neutral and polar, at codon 476 of the COL6A2 protein (p.Pro476Ser). This variant is present in population databases (no rsID available, gnomAD 0.006%). This variant has not been reported in the literature in individuals affected with COL6A2-related conditions. Advanced modeling of protein sequence and biophysical properties (such as structural, functional, and spatial information, amino acid conservation, physicochemical variation, residue mobility, and thermodynamic stability) performed at Invitae indicates that this missense variant is not expected to disrupt COL6A2 protein function with a negative predictive value of 80%. In summary, the available evidence is currently insufficient to determine the role of this variant in disease. Therefore, it has been classified as a Variant of Uncertain Significance.

NM_001849.4(COL6A2):c.1426C>T (p.Pro476Ser)

Gene: COL6A2 (collagen type VI alpha 2 chain; plus strand). Cytogenetic location: 21q22.3.
Variant type: single nucleotide variant.
Coding change: c.1426C>T on transcript NM_001849.4 (MANE Select); coding-DNA position 1426, C replaced by T.
Protein change: p.Pro476Ser; replaces proline 476 with serine.
Molecular consequence: missense variant.
Genome position (GRCh38, 1-based): chr21:46,121,091, C>T. VCF-style: chr21-46121091-C-T. GRCh37 (hg19) VCF-style: chr21-47541005-C-T.
Other names: c.1426C>T, p.Pro476Ser (NM_058174.3, NM_058175.3); short protein forms P476S.
Identifiers: ClinVar variation 2729149 (VCV002729149.4), dbSNP rs1177611364, ClinGen allele CA410531504.